The following is an entry in ClinVar:

ClinVar aggregate classification (germline): Likely benign. Review status: criteria provided, multiple submitters, no conflicts (2 of 4 stars). 2 submissions from 2 submitters: Likely benign (2). Last evaluated 2024-02-05.

Conditions:
Cardiomyopathy (CMYO). Also called: Cardiomyopathies. Identifiers: Orphanet 167848, MedGen C0878544, MONDO:0004994, HP:0001638. Inheritance: Various modes of inheritance.

Allele frequency attached by ClinVar (database versions not stated): TOPMed 0.00001.

Submissions (2):

All of Us Research Program, National Institutes of Health
Classification: Likely benign for Cardiomyopathy. Last evaluated: 2024-02-05. Review status: criteria provided, single submitter. Criteria: ACMG Guidelines, 2015. Collection method: clinical testing. Allele origin: germline. Inheritance: Autosomal dominant inheritance. Observed: 2 variant alleles, 2 heterozygotes.
Comment: This study involves interpretation of variants in research participants for the purpose of population health screening. Participant phenotype was not available at the time of variant classification. Additional details can be found in publication PMID: 35346344, PMCID: PMC8962531

Color Diagnostics, LLC DBA Color Health
Classification: Likely benign for Cardiomyopathy. Last evaluated: 2021-07-27. Review status: criteria provided, single submitter. Criteria: ACMG Guidelines, 2015. Collection method: clinical testing. Allele origin: germline.

NM_000257.4(MYH7):c.896-4C>T

Gene: MYH7 (myosin heavy chain 7; minus strand). Cytogenetic location: 14q11.2.
Variant type: single nucleotide variant.
Coding change: c.896-4C>T on transcript NM_000257.4 (MANE Select); 4 bases into the intron before coding-DNA position 896, C replaced by T.
Molecular consequence: intron variant.
Genome position (GRCh38, 1-based): chr14:23,430,667, G>A on the plus strand (C>T on the coding strand, the complement: MYH7 is on the minus strand). VCF-style: chr14-23430667-G-A. GRCh37 (hg19) VCF-style: chr14-23899876-G-A.
Identifiers: ClinVar variation 1332158 (VCV001332158.3), dbSNP rs1892893593, ClinGen allele CA2123449663.